The following is an entry in ClinVar:

NM_007348.4(ATF6):c.1306A>G (p.Lys436Glu)

Gene: ATF6 (activating transcription factor 6; plus strand). Cytogenetic location: 1q23.3.
Variant type: single nucleotide variant.
Coding change: c.1306A>G on transcript NM_007348.4 (MANE Select); coding-DNA position 1306, A replaced by G.
Protein change: p.Lys436Glu; replaces lysine 436 with glutamic acid.
Molecular consequence: missense variant.
Genome position (GRCh38, 1-based): chr1:161,846,567, A>G. VCF-style: chr1-161846567-A-G. GRCh37 (hg19) VCF-style: chr1-161816357-A-G.
Other names: c.1306A>G (NM_007348.3); short protein forms K436E.
Identifiers: ClinVar variation 1363498 (VCV001363498.6), dbSNP rs368810553, ClinGen allele CA1214425.

ClinVar aggregate classification (germline): Uncertain significance. Review status: criteria provided, multiple submitters, no conflicts (2 of 4 stars). 2 submissions from 2 submitters: Uncertain significance (2). Last evaluated 2023-09-20.

Conditions:
Inborn genetic diseases. Identifiers: MedGen C0950123, MeSH D030342.

Allele frequency attached by ClinVar (database versions not stated): gnomAD exomes 0.00001 and 0.00003; ExAC 0.00003; TOPMed 0.00005; gnomAD 0.00009.
gnomAD v4.1: 26 of 1,599,772 alleles (0.0016%); highest among the groups gnomAD compares: African/African-American, 0.024%; no homozygotes.

Submissions (2):

Ambry Genetics
Classification: Uncertain significance for Inborn genetic diseases. Last evaluated: 2023-09-20. Review status: criteria provided, single submitter. Criteria: Ambry Variant Classification Scheme 2023. Collection method: clinical testing. Allele origin: germline.

Labcorp Genetics (formerly Invitae), Labcorp
Classification: Uncertain significance. Last evaluated: 2022-11-01. Review status: criteria provided, single submitter. Criteria: Invitae Variant Classification Sherloc (09022015). Collection method: clinical testing. Allele origin: germline.
Comment: This sequence change replaces lysine, which is basic and polar, with glutamic acid, which is acidic and polar, at codon 436 of the ATF6 protein (p.Lys436Glu). This variant is present in population databases (rs368810553, gnomAD 0.03%). This variant has not been reported in the literature in individuals affected with ATF6-related conditions. ClinVar contains an entry for this variant (Variation ID: 1363498). Advanced modeling of protein sequence and biophysical properties (such as structural, functional, and spatial information, amino acid conservation, physicochemical variation, residue mobility, and thermodynamic stability) performed at Invitae indicates that this missense variant is not expected to disrupt ATF6 protein function. In summary, the available evidence is currently insufficient to determine the role of this variant in disease. Therefore, it has been classified as a Variant of Uncertain Significance.